The following is an entry in ClinVar:

NM_144672.4(OTOA):c.1562T>C (p.Phe521Ser)

Gene: OTOA (otoancorin). Cytogenetic location: 16p12.2.
Variant type: single nucleotide variant.
Coding change: c.1562T>C on transcript NM_144672.4 (MANE Select); coding-DNA position 1562, T replaced by C.
Protein change: p.Phe521Ser; replaces phenylalanine 521 with serine.
Molecular consequence: missense variant.
Genome position (GRCh38, 1-based): chr16:21,716,980, T>C. VCF-style: chr16-21716980-T-C. GRCh37 (hg19) VCF-style: chr16-21728301-T-C.
Other names: c.1562T>C (NM_144672.3); c.1325T>C, p.Phe442Ser (NM_001161683.2); c.590T>C, p.Phe197Ser (NM_170664.3); short protein forms F442S, F197S, F521S.
Identifiers: ClinVar variation 1489851 (VCV001489851.10), dbSNP rs145044236, ClinGen allele CA7952680.

ClinVar aggregate classification (germline): Conflicting classifications of pathogenicity. Review status: criteria provided, conflicting classifications (1 of 4 stars). 4 submissions from 4 submitters: Likely pathogenic (2); Uncertain significance (2). Last evaluated 2025-12-01.

Conditions:
OTOA-related disorder. Also called: OTOA-related condition.

Allele frequency attached by ClinVar (database versions not stated): gnomAD exomes 0.00002 and 0.00005; ExAC 0.00003; gnomAD 0.00005; TOPMed 0.00005; ESP Exome Variant Server 0.00008.
gnomAD v4.1: 82 of 1,613,942 alleles (0.0051%); highest among the groups gnomAD compares: Non-Finnish European, 0.0066%; no homozygotes.

Submissions (4):

PreventionGenetics, part of Exact Sciences
Classification: Likely pathogenic for OTOA-related condition. Last evaluated: 2025-12-01. Review status: criteria provided, single submitter. Criteria: ACMG Guidelines, 2015. Collection method: clinical testing. Allele origin: germline.
Comment: The OTOA c.1562T>C variant is predicted to result in the amino acid substitution p.Phe521Ser. To our knowledge, this variant has not been reported in the literature but has been reported as likely pathogenic in ClinVar by one laboratory noting it was observed in trans to a second pathogenic variant in an individual with hearing loss (Variation ID: 1489851). This variant was also detected in two apparently unrelated individuals undergoing genetic testing for hearing loss, together with an OTOA likely pathogenic sequence variant in one case and in trans to an OTOA whole gene deletion in the second case (internal data, PreventionGenetics). This variant is reported in 0.0040% of alleles in individuals of African descent in gnomAD. This variant is interpreted as likely pathogenic.

Women's Health and Genetics/Laboratory Corporation of America, LabCorp
Classification: Uncertain significance. Last evaluated: 2025-06-06. Review status: criteria provided, single submitter. Criteria: LabCorp Variant Classification Summary - May 2015. Collection method: clinical testing. Allele origin: germline.
Comment: Variant summary: OTOA c.1562T>C (p.Phe521Ser) results in a non-conservative amino acid change in the encoded protein sequence. Algorithms developed to predict the effect of missense changes on protein structure and function are either unavailable or do not agree on the potential impact of this missense change. The variant allele was found at a frequency of 2e-05 in 251382 control chromosomes. c.1562T>C has been observed in individual(s) affected with deafness (Internal data). These data indicate that the variant may be associated with disease. To our knowledge, no experimental evidence demonstrating an impact on protein function has been reported. ClinVar contains an entry for this variant (Variation ID: 1489851). Based on the evidence outlined above, the variant was classified as VUS-possibly pathogenic.

GeneDx
Classification: Uncertain significance. Last evaluated: 2024-12-30. Review status: criteria provided, single submitter. Criteria: GeneDx Variant Classification Process June 2021. Collection method: clinical testing. Allele origin: germline. Affected: yes.
Comment: Not observed at significant frequency in large population cohorts (gnomAD); In silico analysis indicates that this missense variant does not alter protein structure/function; Has not been previously published as pathogenic or benign to our knowledge

Labcorp Genetics (formerly Invitae), Labcorp
Classification: Likely pathogenic. Last evaluated: 2024-02-27. Review status: criteria provided, single submitter. Criteria: Invitae Variant Classification Sherloc (09022015). Collection method: clinical testing. Allele origin: germline.
Comment: This sequence change replaces phenylalanine, which is neutral and non-polar, with serine, which is neutral and polar, at codon 521 of the OTOA protein (p.Phe521Ser). This variant is present in population databases (rs145044236, gnomAD 0.004%). This missense change has been observed in individual(s) with deafness (Invitae). In at least one individual the data is consistent with being in trans (on the opposite chromosome) from a pathogenic variant. ClinVar contains an entry for this variant (Variation ID: 1489851). Algorithms developed to predict the effect of missense changes on protein structure and function output the following: SIFT: "Not Available"; PolyPhen-2: "Benign"; Align-GVGD: "Not Available". The serine amino acid residue is found in multiple mammalian species, which suggests that this missense change does not adversely affect protein function. In summary, the currently available evidence indicates that the variant is pathogenic, but additional data are needed to prove that conclusively. Therefore, this variant has been classified as Likely Pathogenic.